The following is an entry in ClinVar:

NM_001329943.3(KIAA0586):c.2756A>G (p.Gln919Arg)

Gene: KIAA0586 (KIAA0586; plus strand). Cytogenetic location: 14q23.1.
Variant type: single nucleotide variant.
Coding change: c.2756A>G on transcript NM_001329943.3 (MANE Select); coding-DNA position 2756, A replaced by G.
Protein change: p.Gln919Arg; replaces glutamine 919 with arginine.
Molecular consequence: missense variant.
Genome position (GRCh38, 1-based): chr14:58,474,728, A>G. VCF-style: chr14-58474728-A-G. GRCh37 (hg19) VCF-style: chr14-58941446-A-G.
Other names: c.2915A>G, p.Gln972Arg (NM_001244189.2); c.2711A>G, p.Gln904Arg (NM_001244190.2); c.2501A>G, p.Gln834Arg (NM_001244191.2, NM_001329945.2, NM_001364700.1 and 1 more transcripts); c.2624A>G, p.Gln875Arg (NM_001244192.2); c.2336A>G, p.Gln779Arg (NM_001244193.2); c.2756A>G, p.Gln919Arg (NM_001329944.2, NM_001329946.2, NM_001329947.2); c.2528A>G, p.Gln843Arg (NM_014749.5); short protein forms Q779R, Q919R, Q843R, Q904R, Q972R, Q834R, Q875R.
Identifiers: ClinVar variation 1446147 (VCV001446147.5), dbSNP rs2141025129, ClinGen allele CA389877965.

ClinVar aggregate classification (germline): Uncertain significance (1 of 4 stars; one submission).

Conditions:
Joubert syndrome 23 (JBTS23). Identifiers: Orphanet 475, MedGen C4084822, MONDO:0014664, OMIM 616490.
Short-rib thoracic dysplasia 14 with polydactyly (SRTD14). Identifiers: Orphanet 397715, MedGen C4225286, MONDO:0014688, OMIM 616546.

Submission:

Labcorp Genetics (formerly Invitae), Labcorp
Classification: Uncertain significance for Joubert syndrome 23; Short-rib thoracic dysplasia 14 with polydactyly. Last evaluated: 2022-09-23. Review status: criteria provided, single submitter. Criteria: Invitae Variant Classification Sherloc (09022015). Collection method: clinical testing. Allele origin: germline.
Comment: This sequence change replaces glutamine, which is neutral and polar, with arginine, which is basic and polar, at codon 972 of the KIAA0586 protein (p.Gln972Arg). This variant is not present in population databases (gnomAD no frequency). This variant has not been reported in the literature in individuals affected with KIAA0586-related conditions. ClinVar contains an entry for this variant (Variation ID: 1446147). Advanced modeling of protein sequence and biophysical properties (such as structural, functional, and spatial information, amino acid conservation, physicochemical variation, residue mobility, and thermodynamic stability) has been performed at Invitae for this missense variant, however the output from this modeling did not meet the statistical confidence thresholds required to predict the impact of this variant on KIAA0586 protein function. In summary, the available evidence is currently insufficient to determine the role of this variant in disease. Therefore, it has been classified as a Variant of Uncertain Significance.